The following is an entry in ClinVar:

NM_001164508.2(NEB):c.1366A>G (p.Lys456Glu)

Gene: NEB (nebulin; minus strand). Cytogenetic location: 2q23.3.
Variant type: single nucleotide variant.
Coding change: c.1366A>G on transcript NM_001164508.2 (MANE Select); coding-DNA position 1366, A replaced by G.
Protein change: p.Lys456Glu; replaces lysine 456 with glutamic acid.
Molecular consequence: missense variant.
Genome position (GRCh38, 1-based): chr2:151,697,252, T>C on the plus strand (A>G on the coding strand, the complement: NEB is on the minus strand). VCF-style: chr2-151697252-T-C. GRCh37 (hg19) VCF-style: chr2-152553766-T-C.
Other names: c.1366A>G, p.Lys456Glu (NM_001164507.2, NM_001271208.2, NM_004543.5); short protein forms K456E.
Identifiers: ClinVar variation 1038753 (VCV001038753.11), dbSNP rs1484438248, ClinGen allele CA348825530.

ClinVar aggregate classification (germline): Uncertain significance. Review status: criteria provided, single submitter (1 of 4 stars). 2 submissions from 2 submitters: Uncertain significance (1). 1 of the submissions does not count toward it. Last evaluated 2023-12-09.

Conditions:
Nemaline myopathy 2 (NEM2). Also called: Nemaline myopathy 2, autosomal recessive. Identifiers: MedGen C1850569, MONDO:0009725, OMIM 256030.

Allele frequency attached by ClinVar (database versions not stated): gnomAD exomes below 0.00001; gnomAD 0.00001; TOPMed 0.00001.
gnomAD v4.1: 3 of 1,613,644 alleles (0.00019%); highest among the groups gnomAD compares: Non-Finnish European, 0.00025%; no homozygotes.

Submissions (2):

Labcorp Genetics (formerly Invitae), Labcorp
Classification: Uncertain significance for Nemaline myopathy 2. Last evaluated: 2023-12-09. Review status: criteria provided, single submitter. Criteria: Invitae Variant Classification Sherloc (09022015). Collection method: clinical testing. Allele origin: germline.
Comment: This sequence change replaces lysine, which is basic and polar, with glutamic acid, which is acidic and polar, at codon 456 of the NEB protein (p.Lys456Glu). This variant is not present in population databases (gnomAD no frequency). This variant has not been reported in the literature in individuals affected with NEB-related conditions. ClinVar contains an entry for this variant (Variation ID: 1038753). Experimental studies and prediction algorithms are not available or were not evaluated, and the functional significance of this variant is currently unknown. In summary, the available evidence is currently insufficient to determine the role of this variant in disease. Therefore, it has been classified as a Variant of Uncertain Significance.

Natera, Inc.
Classification: Uncertain significance for Nemaline myopathy type 2. Last evaluated: 2021-03-16. Review status: no assertion criteria provided. Collection method: clinical testing. Allele origin: germline. Not counted in ClinVar's aggregate classification.